The following is an entry in ClinVar:

NM_005188.4(CBL):c.1196T>A (p.Leu399His)

Gene: CBL (Cbl proto-oncogene; plus strand). Cytogenetic location: 11q23.3.
Variant type: single nucleotide variant.
Coding change: c.1196T>A on transcript NM_005188.4 (MANE Select); coding-DNA position 1196, T replaced by A.
Protein change: p.Leu399His; replaces leucine 399 with histidine.
Molecular consequence: missense variant.
Genome position (GRCh38, 1-based): chr11:119,278,266, T>A. VCF-style: chr11-119278266-T-A. GRCh37 (hg19) VCF-style: chr11-119148976-T-A.
Other names: short protein forms L399H.
Identifiers: ClinVar variation 2909491 (VCV002909491.3), dbSNP rs1949905189, ClinGen allele CA382912764.

ClinVar aggregate classification (germline): Uncertain significance (1 of 4 stars; one submission).

Conditions:
RASopathy. Also called: Noonan spectrum disorder; rasopathies. Identifiers: Orphanet 536391, MedGen C5555857, MONDO:0021060.

Submission:

Labcorp Genetics (formerly Invitae), Labcorp
Classification: Uncertain significance for RASopathy. Last evaluated: 2023-06-30. Review status: criteria provided, single submitter. Criteria: Invitae Variant Classification Sherloc (09022015). Collection method: clinical testing. Allele origin: germline.
Comment: In summary, the available evidence is currently insufficient to determine the role of this variant in disease. Therefore, it has been classified as a Variant of Uncertain Significance. This variant has not been reported in the literature in individuals affected with CBL-related conditions. This variant is not present in population databases (gnomAD no frequency). This sequence change replaces leucine, which is neutral and non-polar, with histidine, which is basic and polar, at codon 399 of the CBL protein (p.Leu399His). Advanced modeling of protein sequence and biophysical properties (such as structural, functional, and spatial information, amino acid conservation, physicochemical variation, residue mobility, and thermodynamic stability) performed at Invitae indicates that this missense variant is expected to disrupt CBL protein function.